The following is an entry in ClinVar:

ClinVar aggregate classification (germline): Uncertain significance. Review status: criteria provided, multiple submitters, no conflicts (2 of 4 stars). 2 submissions from 2 submitters: Uncertain significance (2). Last evaluated 2024-10-20.

Conditions:
Inborn genetic diseases. Identifiers: MedGen C0950123, MeSH D030342.

Allele frequency attached by ClinVar (database versions not stated): gnomAD exomes below 0.00001 and 0.00001; gnomAD 0.00007; TOPMed 0.00009.
gnomAD v4.1: 14 of 1,532,824 alleles (0.00091%); highest among the groups gnomAD compares: African/African-American, 0.013%; no homozygotes.

Submissions (2):

Ambry Genetics
Classification: Uncertain significance for Inborn genetic diseases. Last evaluated: 2024-10-20. Review status: criteria provided, single submitter. Criteria: Ambry Variant Classification Scheme 2023. Collection method: clinical testing. Allele origin: germline.

GeneDx
Classification: Uncertain significance. Last evaluated: 2024-04-07. Review status: criteria provided, single submitter. Criteria: GeneDx Variant Classification Process June 2021. Collection method: clinical testing. Allele origin: germline. Affected: yes.
Comment: Has not been previously published as pathogenic or benign to our knowledge; In silico analysis indicates that this missense variant does not alter protein structure/function; This variant is associated with the following publications: (PMID: 27535533)

NM_007118.4(TRIO):c.7235T>C (p.Met2412Thr)

Gene: TRIO (trio Rho guanine nucleotide exchange factor; plus strand). Cytogenetic location: 5p15.2.
Variant type: single nucleotide variant.
Coding change: c.7235T>C on transcript NM_007118.4 (MANE Select); coding-DNA position 7235, T replaced by C.
Protein change: p.Met2412Thr; replaces methionine 2412 with threonine.
Molecular consequence: missense variant.
Genome position (GRCh38, 1-based): chr5:14,487,863, T>C. VCF-style: chr5-14487863-T-C. GRCh37 (hg19) VCF-style: chr5-14487972-T-C.
Other names: short protein forms M2412T.
Identifiers: ClinVar variation 1326513 (VCV001326513.4), dbSNP rs945042285, ClinGen allele CA114003832.